The following is an entry in ClinVar:

NM_004380.3(CREBBP):c.5969_5977del (p.Thr1990_Gly1992del)

Gene: CREBBP (CREB binding lysine acetyltransferase; minus strand). Cytogenetic location: 16p13.3.
Variant type: Deletion.
Coding change: c.5969_5977del on transcript NM_004380.3 (MANE Select); coding-DNA positions 5969 to 5977, 9 bases deleted (CCCCGGGGA; older notation c.5969_5977delCCCCGGGGA).
Protein change: p.Thr1990_Gly1992del.
Molecular consequence: inframe deletion.
Genome position (GRCh38, 1-based): chr16:3,729,070-3,729,078, TCCCCGGGG deleted on the plus strand (CCCCGGGGA on the coding strand, the reverse complement: CREBBP is on the minus strand); deleting any 9 consecutive bases within chr16:3,729,070-3,729,083 gives the same sequence; the c. name uses the placement nearest the transcript's 3' end. VCF-style (leftmost placement, unchanged base first): chr16-3729069-CTCCCCGGGG-C. GRCh37 (hg19) VCF-style: chr16-3779070-CTCCCCGGGG-C.
Other names: c.5855_5863del, p.Thr1952_Gly1954del (NM_001079846.1); c.5969_5977delCCCCGGGGA (NM_004380.3); c.5969_5977del9 (NM_004380.2).
Identifiers: ClinVar variation 196698 (VCV000196698.14), dbSNP rs777318563, ClinGen allele CA243765.

ClinVar aggregate classification (germline): Conflicting classifications of pathogenicity. Review status: criteria provided, conflicting classifications (1 of 4 stars). 6 submissions from 6 submitters: Uncertain significance (4); Likely benign (2). Last evaluated 2026-08-27.

Conditions:
CREBBP-related disorder. Also called: CREBBP-related condition; CREBBP-related disorders.
Menke-Hennekam syndrome 1 (MKHK1). Identifiers: MedGen C5193034, MONDO:0020763, OMIM 618332.
Rubinstein-Taybi syndrome due to CREBBP mutations (RSTS1). Also called: CREBBP-Related Rubinstein-Taybi Syndrome; RUBINSTEIN SYNDROME; RUBINSTEIN-TAYBI SYNDROME 1, INCOMPLETE; BROAD THUMB-HALLUX SYNDROME; Rubinstein-Taybi syndrome 1; BROAD THUMBS AND GREAT TOES, CHARACTERISTIC FACIES, AND IMPAIRED INTELLECTUAL DEVELOPMENT. Identifiers: Orphanet 353277, Orphanet 783, MedGen C4551859, MONDO:0008393, OMIM 180849.
Rubinstein-Taybi syndrome (RSTS). Identifiers: Orphanet 783, MedGen C0035934, MONDO:0019188.

Submissions (6):

PreventionGenetics, part of Exact Sciences
Classification: Uncertain significance for CREBBP-related condition. Last evaluated: 2026-08-27. Review status: criteria provided, single submitter. Criteria: ACMG Guidelines, 2015. Collection method: clinical testing. Allele origin: germline.
Comment: The CREBBP c.5969_5977del9 variant is predicted to result in an in-frame deletion (p.Thr1990_Gly1992del). To our knowledge, this variant has not been reported in the literature. This variant is reported in 0.028% of alleles in individuals of African descent in gnomAD, which may be too common to be an undocumented primary cause of disease. Although we suspect that this variant may be benign, at this time, the clinical significance of this variant is uncertain due to the absence of conclusive functional and genetic evidence.

Women's Health and Genetics/Laboratory Corporation of America, LabCorp
Classification: Uncertain significance. Last evaluated: 2026-03-24. Review status: criteria provided, single submitter. Criteria: LabCorp Variant Classification Summary - May 2015. Collection method: clinical testing. Allele origin: germline.
Comment: Variant summary: CREBBP c.5969_5977delCCCCGGGGA (p.Thr1990_Gly1992del) results in an in-frame deletion that is predicted to remove three amino acids from the encoded protein. The variant allele was found at a frequency of 1.5e-05 in 201192 control chromosomes (gnomAD). The available data on variant occurrences in the general population are insufficient to allow any conclusion about variant significance. To our knowledge, no occurrence of c.5969_5977delCCCCGGGGA in individuals affected with CREBBP-related conditions and no experimental evidence demonstrating its impact on protein function have been reported. ClinVar contains an entry for this variant (Variation ID: 196698). Based on the evidence outlined above, the variant was classified as uncertain significance.

Labcorp Genetics (formerly Invitae), Labcorp
Classification: Uncertain significance for Rubinstein-Taybi syndrome. Last evaluated: 2026-02-01. Review status: criteria provided, single submitter. Criteria: Invitae Variant Classification Sherloc (09022015). Collection method: clinical testing. Allele origin: germline.
Comment: This variant, c.5969_5977del, results in the deletion of 3 amino acid(s) of the CREBBP protein (p.Thr1990_Gly1992del), but otherwise preserves the integrity of the reading frame. This variant is present in population databases (rs777318563, gnomAD 0.03%). This variant has not been reported in the literature in individuals affected with CREBBP-related conditions. ClinVar contains an entry for this variant (Variation ID: 196698). Experimental studies and prediction algorithms are not available or were not evaluated, and the functional significance of this variant is currently unknown. In summary, the available evidence is currently insufficient to determine the role of this variant in disease. Therefore, it has been classified as a Variant of Uncertain Significance.

Blueprint Genetics
Classification: Likely benign. Last evaluated: 2024-08-06. Review status: criteria provided, single submitter. Criteria: ACMG Guidelines, 2015. Collection method: clinical testing. Allele origin: germline.

Fulgent Genetics
Classification: Likely benign for Rubinstein-Taybi syndrome due to CREBBP mutations; Menke-Hennekam syndrome 1. Last evaluated: 2024-06-10. Review status: criteria provided, single submitter. Criteria: ACMG Guidelines, 2015. Collection method: clinical testing. Allele origin: germline.

Eurofins Ntd Llc (ga)
Classification: Uncertain significance. Last evaluated: 2016-06-23. Review status: criteria provided, single submitter. Criteria: EGL Classification Definitions 2015. Collection method: clinical testing. Allele origin: germline. Observed: 2 variant alleles, 2 heterozygotes.